The following is an entry in ClinVar:

NM_001692.4(ATP6V1B1):c.118+1_118+22del

Gene: ATP6V1B1 (ATPase H+ transporting V1 subunit B1; plus strand). Cytogenetic location: 2p13.3.
Variant type: Deletion.
Coding change: c.118+1_118+22del on transcript NM_001692.4 (MANE Select); the canonical splice donor site of the intron after coding-DNA position 118 through 22 bases into the intron after coding-DNA position 118, 22 bases deleted (GTGAGTAGCCCCTCCACCGTGA).
Molecular consequence: splice donor variant.
Genome position (GRCh38, 1-based): chr2:70,936,073-70,936,094, GTGAGTAGCCCCTCCACCGTGA deleted; deleting any 22 consecutive bases within chr2:70,936,072-70,936,094 gives the same sequence; the c. name uses the placement nearest the transcript's 3' end. VCF-style (leftmost placement, unchanged base first): chr2-70936071-CAGTGAGTAGCCCCTCCACCGTG-C. GRCh37 (hg19) VCF-style: chr2-71163201-CAGTGAGTAGCCCCTCCACCGTG-C.
Identifiers: ClinVar variation 2010101 (VCV002010101.4), dbSNP rs2466223873, ClinGen allele CA2580067926.

ClinVar aggregate classification (germline): Likely pathogenic (1 of 4 stars; one submission).

Submission:

Labcorp Genetics (formerly Invitae), Labcorp
Classification: Likely pathogenic. Last evaluated: 2022-06-08. Review status: criteria provided, single submitter. Criteria: Invitae Variant Classification Sherloc (09022015). Collection method: clinical testing. Allele origin: germline.
Comment: In summary, the currently available evidence indicates that the variant is pathogenic, but additional data are needed to prove that conclusively. Therefore, this variant has been classified as Likely Pathogenic. Algorithms developed to predict the effect of sequence changes on RNA splicing suggest that this variant may disrupt the consensus splice site. This variant has not been reported in the literature in individuals affected with ATP6V1B1-related conditions. This variant is not present in population databases (gnomAD no frequency). This sequence change affects a splice site in intron 1 of the ATP6V1B1 gene. It is expected to disrupt RNA splicing. Variants that disrupt the donor or acceptor splice site typically lead to a loss of protein function (PMID: 16199547), and loss-of-function variants in ATP6V1B1 are known to be pathogenic (PMID: 9916796, 18368028).

Literature cited by the submitters: PubMed 16199547; PubMed 9916796; PubMed 18368028.